The following is an entry in ClinVar:

NM_001034850.3(RETREG1):c.459-25249del

Gene: RETREG1 (reticulophagy regulator 1; minus strand). Cytogenetic location: 5p15.1.
Variant type: Deletion.
Coding change: c.459-25249del on transcript NM_001034850.3 (MANE Select); 25249 bases into the intron before coding-DNA position 459, one base deleted (C; older notation c.459-25249delC).
Molecular consequence: intron variant. On other transcripts: 5 prime UTR variant (1).
Genome position (GRCh38, 1-based): chr5:16,508,721, G deleted on the plus strand (C on the coding strand, the reverse complement: RETREG1 is on the minus strand); the first of 2 consecutive G bases (chr5:16,508,721-16,508,722); deleting either gives the same sequence. VCF-style (leftmost placement, unchanged base first): chr5-16508720-AG-A. GRCh37 (hg19) VCF-style: chr5-16508829-AG-A.
Other names: c.-109del (NM_019000.5).
Identifiers: ClinVar variation 681678 (VCV000681678.1), dbSNP rs11358957, ClinGen allele CA114964598.

ClinVar aggregate classification (germline): Benign (1 of 4 stars; one submission).

Submission:

GeneDx
Classification: Benign. Last evaluated: 2018-06-15. Review status: criteria provided, single submitter. Criteria: GeneDx Variant Classification (06012015). Collection method: clinical testing. Allele origin: germline. Affected: yes.
Comment: This variant is considered likely benign or benign based on one or more of the following criteria: it is a conservative change, it occurs at a poorly conserved position in the protein, it is predicted to be benign by multiple in silico algorithms, and/or has population frequency not consistent with disease.